The following is an entry in ClinVar:

ClinVar aggregate classification (germline): Uncertain significance. Review status: criteria provided, multiple submitters, no conflicts (2 of 4 stars). 6 submissions from 6 submitters: Uncertain significance (6). Last evaluated 2025-06-13.

Conditions:
APC-Associated Polyposis Disorders.
Familial adenomatous polyposis 1 (FAP1). Also called: FAMILIAL ADENOMATOUS POLYPOSIS 1, ATTENUATED; POLYPOSIS, ADENOMATOUS INTESTINAL. Identifiers: MedGen C2713442, MONDO:0021056, OMIM 175100. Disease mechanism: loss of function.
Hereditary cancer-predisposing syndrome. Also called: Tumor predisposition; Hereditary Cancer Syndrome; Hereditary neoplastic syndrome; Neoplastic Syndromes, Hereditary. Identifiers: Orphanet 140162, MedGen C0027672, MeSH D009386, MONDO:0015356.

Allele frequency attached by ClinVar (database versions not stated): gnomAD exomes below 0.00001.
gnomAD v4.1: 4 of 1,613,928 alleles (0.00025%); highest among the groups gnomAD compares: Non-Finnish European, 0.00025%; no homozygotes.

Submissions (6):

Ambry Genetics
Classification: Uncertain significance for Hereditary cancer-predisposing syndrome. Last evaluated: 2025-06-13. Review status: criteria provided, single submitter. Criteria: Ambry Variant Classification Scheme 2023. Collection method: clinical testing. Allele origin: germline.
Comment: The p.K2653E variant (also known as c.7957A>G), located in coding exon 15 of the APC gene, results from an A to G substitution at nucleotide position 7957. The lysine at codon 2653 is replaced by glutamic acid, an amino acid with similar properties. This amino acid position is highly conserved in available vertebrate species. In addition, in silico predictors for this gene do not accurately predict pathogenicity. Missense alterations in APC are not a common cause of disease (Spier I et al. Genet Med. 2024 Feb;26(2):100992). Based on the available evidence, the clinical significance of this variant remains unclear.

Quest Diagnostics Nichols Institute San Juan Capistrano
Classification: Uncertain significance. Last evaluated: 2024-02-24. Review status: criteria provided, single submitter. Criteria: Quest Diagnostics criteria. Collection method: clinical testing. Allele origin: unknown.
Comment: The APC c.7957A>G (p.Lys2653Glu) variant has not been reported in individuals with APC-related conditions in the published literature. It also has not been reported in large, multi-ethnic general populations (Genome Aggregation Database). Analysis of this variant using bioinformatics tools for the prediction of the effect of amino acid changes on protein structure and function yielded conflicting predictions that this variant is deleterious or benign. Based on the available information, we are unable to determine the clinical significance of this variant.

GeneDx
Classification: Uncertain significance. Last evaluated: 2023-12-18. Review status: criteria provided, single submitter. Criteria: GeneDx Variant Classification Process June 2021. Collection method: clinical testing. Allele origin: germline. Affected: yes.
Comment: Not observed at significant frequency in large population cohorts (gnomAD); In silico analysis supports that this missense variant does not alter protein structure/function; Has not been previously published as pathogenic or benign to our knowledge; This variant is associated with the following publications: (PMID: 18199528)

Labcorp Genetics (formerly Invitae), Labcorp
Classification: Uncertain significance for Familial adenomatous polyposis 1. Last evaluated: 2022-05-05. Review status: criteria provided, single submitter. Criteria: Invitae Variant Classification Sherloc (09022015). Collection method: clinical testing. Allele origin: germline.
Comment: In summary, the available evidence is currently insufficient to determine the role of this variant in disease. Therefore, it has been classified as a Variant of Uncertain Significance. Algorithms developed to predict the effect of missense changes on protein structure and function are either unavailable or do not agree on the potential impact of this missense change (SIFT: "Deleterious"; PolyPhen-2: "Benign"; Align-GVGD: "Class C0"). ClinVar contains an entry for this variant (Variation ID: 537551). This variant has not been reported in the literature in individuals affected with APC-related conditions. This variant is not present in population databases (gnomAD no frequency). This sequence change replaces lysine, which is basic and polar, with glutamic acid, which is acidic and polar, at codon 2653 of the APC protein (p.Lys2653Glu).

Sema4
Classification: Uncertain significance for Hereditary cancer-predisposing syndrome. Last evaluated: 2021-09-11. Review status: criteria provided, single submitter. Criteria: Sema4 Curation Guidelines. Collection method: curation. Allele origin: germline.
Comment: The APC c.7957A>G (p.K2653E) variant has not been reported in the literature to our knowledge. It was not observed in the large and broad cohorts of the Genome Aggregation Database (PMID: 32461654). The variant has been reported in ClinVar (Variation ID 537551). Functional studies have not been performed, and in silico predictions of the variant's effect on protein function are inconclusive. The evidence is insufficient to meet ACMG/AMP criteria for classifying the variant as benign or pathogenic. Thus, the clinical significance of this variant is currently uncertain.

Illumina Laboratory Services, Illumina
Classification: Uncertain significance for APC-Associated Polyposis Disorders. Last evaluated: 2018-01-13. Review status: criteria provided, single submitter. Criteria: ICSL Variant Classification Criteria 13 December 2019. Collection method: clinical testing. Allele origin: germline.

Literature cited by the submitters: PubMed 30306255 (cited by Quest Diagnostics Nichols Institute San Juan Capistrano).

NM_000038.6(APC):c.7957A>G (p.Lys2653Glu)

Gene: APC (APC regulator of Wnt signaling pathway; plus strand). Cytogenetic location: 5q22.2.
Variant type: single nucleotide variant.
Coding change: c.7957A>G on transcript NM_000038.6 (MANE Select); coding-DNA position 7957, A replaced by G.
Protein change: p.Lys2653Glu; replaces lysine 2653 with glutamic acid.
Molecular consequence: missense variant.
Genome position (GRCh38, 1-based): chr5:112,843,551, A>G. VCF-style: chr5-112843551-A-G. GRCh37 (hg19) VCF-style: chr5-112179248-A-G.
Other names: c.7957A>G, p.Lys2653Glu (NM_001127510.3, NM_001354895.2); c.7903A>G, p.Lys2635Glu (NM_001127511.3); c.8011A>G, p.Lys2671Glu (NM_001354896.2); c.7987A>G, p.Lys2663Glu (NM_001354897.2); c.7882A>G, p.Lys2628Glu (NM_001354898.2); c.7873A>G, p.Lys2625Glu (NM_001354899.2); c.7834A>G, p.Lys2612Glu (NM_001354900.2); c.7780A>G, p.Lys2594Glu (NM_001354901.2); and 5 more; short protein forms K2653E, K2635E, K2562E, K2628E, K2663E, K2671E, K2370E, K2594E.
Identifiers: ClinVar variation 537551 (VCV000537551.18), dbSNP rs1554088788, ClinGen allele CA16038609.